The following is an entry in ClinVar:

ClinVar aggregate classification (germline): Uncertain significance (1 of 4 stars; one submission).

Conditions:
Hereditary cancer-predisposing syndrome. Also called: Neoplastic Syndromes, Hereditary; Tumor predisposition; Hereditary neoplastic syndrome; Hereditary Cancer Syndrome. Identifiers: Orphanet 140162, MedGen C0027672, MeSH D009386, MONDO:0015356.
Cardiovascular phenotype. Identifiers: MedGen CN230736.

Submission:

Ambry Genetics
Classification: Uncertain significance for Cardiovascular phenotype; Hereditary cancer-predisposing syndrome. Last evaluated: 2024-02-09. Review status: criteria provided, single submitter. Criteria: Ambry Variant Classification Scheme 2023. Collection method: clinical testing. Allele origin: germline.
Comment: The c.150A>G variant (also known as p.T50T), located in coding exon 1 of the LZTR1 gene, results from an A to G substitution at nucleotide position 150. This nucleotide substitution does not change the threonine at codon 50. This nucleotide position is not well conserved in available vertebrate species. In silico splice site analysis for this alteration is inconclusive. Based on the available evidence, the clinical significance of this alteration remains unclear.

NM_006767.4(LZTR1):c.150A>G (p.Thr50=)

Gene: LZTR1 (leucine zipper like post translational regulator 1; plus strand). Cytogenetic location: 22q11.21.
Variant type: single nucleotide variant.
Coding change: c.150A>G on transcript NM_006767.4 (MANE Select); coding-DNA position 150, A replaced by G.
Protein change: p.Thr50=; no amino-acid change (threonine 50 retained).
Molecular consequence: synonymous variant.
Genome position (GRCh38, 1-based): chr22:20,982,521, A>G. VCF-style: chr22-20982521-A-G. GRCh37 (hg19) VCF-style: chr22-21336810-A-G.
Identifiers: ClinVar variation 3238090 (VCV003238090.1), dbSNP rs2518607910.